The following is an entry in ClinVar:

ClinVar aggregate classification (germline): Uncertain significance (1 of 4 stars; one submission).

Conditions:
EGFR-related lung cancer (EGFR). Identifiers: MedGen CN130014.

Submission:

Labcorp Genetics (formerly Invitae), Labcorp
Classification: Uncertain significance for EGFR-related lung cancer. Last evaluated: 2025-01-23. Review status: criteria provided, single submitter. Criteria: Invitae Variant Classification Sherloc (09022015). Collection method: clinical testing. Allele origin: germline.
Comment: This sequence change falls in intron 10 of the EGFR gene. It does not directly change the encoded amino acid sequence of the EGFR protein. It affects a nucleotide within the consensus splice site. This variant is not present in population databases (gnomAD no frequency). This variant has not been reported in the literature in individuals affected with EGFR-related conditions. Variants that disrupt the consensus splice site are a relatively common cause of aberrant splicing (PMID: 17576681, 9536098). Algorithms developed to predict the effect of sequence changes on RNA splicing suggest that this variant is not likely to affect RNA splicing. In summary, the available evidence is currently insufficient to determine the role of this variant in disease. Therefore, it has been classified as a Variant of Uncertain Significance.

Literature cited by the submitters: PubMed 17576681; PubMed 9536098.

NM_005228.5(EGFR):c.1207+3T>A

Genes: EGFR (epidermal growth factor receptor; plus strand), LOC126860048 (P300/CBP strongly-dependent group 1 enhancer GRCh37_chr7:55223847-55225046; plus strand). Cytogenetic location: 7p11.2.
Variant type: single nucleotide variant.
Coding change: c.1207+3T>A on transcript NM_005228.5 (MANE Select); 3 bases into the intron after coding-DNA position 1207, T replaced by A.
Molecular consequence: intron variant. On other transcripts: missense variant (1).
Genome position (GRCh38, 1-based): chr7:55,156,835, T>A. VCF-style: chr7-55156835-T-A. GRCh37 (hg19) VCF-style: chr7-55224528-T-A.
Other names: c.1210T>A, p.Leu404Met (NM_201283.2); c.1072+3T>A (NM_001346899.2, NM_001346897.2); c.406+3T>A (NM_001346941.2); c.1207+3T>A (NM_001346898.2, NM_201284.2, NM_201282.2); c.1048+3T>A (NM_001346900.2); short protein forms L404M.
Identifiers: ClinVar variation 3729435 (VCV003729435.2).